The following is an entry in ClinVar:

NM_000540.3(RYR1):c.11216G>A (p.Gly3739Glu)

Gene: RYR1 (ryanodine receptor 1; plus strand). Cytogenetic location: 19q13.2.
Variant type: single nucleotide variant.
Coding change: c.11216G>A on transcript NM_000540.3 (MANE Select); coding-DNA position 11216, G replaced by A.
Protein change: p.Gly3739Glu; replaces glycine 3739 with glutamic acid.
Molecular consequence: missense variant.
Genome position (GRCh38, 1-based): chr19:38,532,693, G>A. VCF-style: chr19-38532693-G-A. GRCh37 (hg19) VCF-style: chr19-39023333-G-A.
Other names: c.11201G>A, p.Gly3734Glu (NM_001042723.2); short protein forms G3734E, G3739E.
Identifiers: ClinVar variation 4855358 (VCV004855358.1).
Genomic context (GRCh38, chr19:38,532,693, plus strand): 5'-CTGCTTTGTTCATCCCTTAACTGATGCCCCCTCCCCAGAGCTGCCACCTGGAGGAGGGAG[G>A]GGAGAACGGTGAAGCTGAAGAGGAGGTTGAGGTCTCCTTTGAGGTAGGTGGGCTCAGGAG-3'
Protein context (NP_000531.2, residues 3729-3749): MAKSCHLEEG[Gly3739Glu]ENGEAEEEVE

ClinVar aggregate classification (germline): Uncertain significance (1 of 4 stars; one submission).

Conditions:
Congenital multicore myopathy with external ophthalmoplegia (CMYO1B). Also called: MULTIMINICORE DISEASE WITH EXTERNAL OPHTHALMOPLEGIA; MULTICORE MYOPATHY; Congenital myopathy 1B, autosomal recessive; Minicore myopathy; Minicore myopathy with external ophthalmoplegia. Identifiers: Orphanet 598, Orphanet 98905, MedGen C1850674, MONDO:0009712, OMIM 255320, HP:0003789.

Submission:

3billion
Classification: Uncertain significance for Congenital multicore myopathy with external ophthalmoplegia. Last evaluated: 2025-07-01. Review status: criteria provided, single submitter. Criteria: ACMG Guidelines, 2015. Collection method: clinical testing. Allele origin: germline. Affected: yes.
Comment: The variant is not observed in the gnomAD v4.1.0 dataset. Predicted Consequence/Location: Missense variant Damaging effect on gene or gene product predicted by in silico programs is uncertain [REVEL: 0.27 (damaging >=0.6, benign <0.4), 3Cnet: 0.28 (damaging >0.75, benign <0.1)]. Therefore, this variant is classified as VUS according to the recommendation of ACMG/AMP guideline.